The following is an entry in ClinVar:

NM_054021.2(GPR101):c.1099G>A (p.Val367Ile)

Gene: GPR101 (G protein-coupled receptor 101; minus strand). Cytogenetic location: Xq26.3.
Variant type: single nucleotide variant.
Coding change: c.1099G>A on transcript NM_054021.2 (MANE Select); coding-DNA position 1099, G replaced by A.
Protein change: p.Val367Ile; replaces valine 367 with isoleucine.
Molecular consequence: missense variant.
Genome position (GRCh38, 1-based): chrX:137,030,576, C>T on the plus strand (G>A on the coding strand, the complement: GPR101 is on the minus strand). VCF-style: chrX-137030576-C-T. GRCh37 (hg19) VCF-style: chrX-136112735-C-T.
Other names: short protein forms V367I.
Identifiers: ClinVar variation 3605423 (VCV003605423.2).

ClinVar aggregate classification (germline): Uncertain significance (1 of 4 stars; one submission).

Submission:

Labcorp Genetics (formerly Invitae), Labcorp
Classification: Uncertain significance. Last evaluated: 2024-05-10. Review status: criteria provided, single submitter. Criteria: Invitae Variant Classification Sherloc (09022015). Collection method: clinical testing. Allele origin: germline.
Comment: This sequence change replaces valine, which is neutral and non-polar, with isoleucine, which is neutral and non-polar, at codon 367 of the GPR101 protein (p.Val367Ile). The frequency data for this variant in the population databases is considered unreliable, as metrics indicate poor data quality at this position in the gnomAD database. This variant has not been reported in the literature in individuals affected with GPR101-related conditions. Algorithms developed to predict the effect of missense changes on protein structure and function output the following: SIFT: "Not Available"; PolyPhen-2: "Benign"; Align-GVGD: "Not Available". The isoleucine amino acid residue is found in multiple mammalian species, which suggests that this missense change does not adversely affect protein function. In summary, the available evidence is currently insufficient to determine the role of this variant in disease. Therefore, it has been classified as a Variant of Uncertain Significance.